The following is an entry in ClinVar:

NM_024496.4(IRF2BPL):c.491_492insCGCCGC (p.Ala164_Val165insAlaAla)

Gene: IRF2BPL (interferon regulatory factor 2 binding protein like; minus strand). Cytogenetic location: 14q24.3.
Variant type: Insertion.
Coding change: c.491_492insCGCCGC on transcript NM_024496.4 (MANE Select); coding-DNA positions 491 to 492, CGCCGC inserted.
Protein change: p.Ala164_Val165insAlaAla.
Molecular consequence: inframe insertion.
Genome position: GRCh38 VCF-style: chr14-77027301-C-CGCGGCG. GRCh37 (hg19) VCF-style: chr14-77493644-C-CGCGGCG.
Other names: p.Ala163_Ala164dup; c.491_492insCGCCGC (NM_024496.2).
Identifiers: ClinVar variation 2430304 (VCV002430304.32), dbSNP rs780441372, ClinGen allele CA615491162.

ClinVar aggregate classification (germline): Conflicting classifications of pathogenicity. Review status: criteria provided, conflicting classifications (1 of 4 stars). 5 submissions from 5 submitters: Uncertain significance (1); Likely benign (4). Last evaluated 2026-04-01.

Conditions:
Inborn genetic diseases. Identifiers: MedGen C0950123, MeSH D030342.

Submissions (5):

CeGaT Center for Human Genetics Tuebingen
Classification: Likely benign. Last evaluated: 2026-04-01. Review status: criteria provided, single submitter. Criteria: CeGaT Center For Human Genetics Tuebingen Variant Classification Criteria Version 2. Collection method: clinical testing. Allele origin: germline. Affected: yes. Observed: 3 variant alleles.
Comment: IRF2BPL: BP3, BS2

Mayo Clinic Laboratories, Mayo Clinic
Classification: Likely benign. Last evaluated: 2025-12-12. Review status: criteria provided, single submitter. Criteria: ACMG Guidelines, 2015. Collection method: clinical testing. Allele origin: germline. Observed: 2 variant alleles.
Comment: BS2, BP3

Blueprint Genetics
Classification: Likely benign. Last evaluated: 2024-10-18. Review status: criteria provided, single submitter. Criteria: ACMG Guidelines, 2015. Collection method: clinical testing. Allele origin: germline.

Centre of Medical Genetics, University Hospital Muenster
Classification: Uncertain significance. Last evaluated: 2023-02-20. Review status: criteria provided, single submitter. Criteria: ACMG Guidelines, 2015. Collection method: clinical testing. Allele origin: unknown. Affected: yes. Observed: 1 variant allele.
Comment: ACMG categories: PM2

Ambry Genetics
Classification: Likely benign for Inborn genetic diseases. Last evaluated: 2021-08-20. Review status: criteria provided, single submitter. Criteria: Ambry Variant Classification Scheme 2023. Collection method: clinical testing. Allele origin: germline.